The following is an entry in ClinVar:

ClinVar aggregate classification (germline): Uncertain significance. Review status: criteria provided, multiple submitters, no conflicts (2 of 4 stars). 3 submissions from 3 submitters: Uncertain significance (3). Last evaluated 2022-03-11.

Conditions:
Inborn genetic diseases. Identifiers: MedGen C0950123, MeSH D030342.

Allele frequency attached by ClinVar (database versions not stated): gnomAD 0.00001; gnomAD exomes 0.00001; ExAC 0.00002; TOPMed 0.00002.
gnomAD v4.1: 17 of 1,611,672 alleles (0.0011%); highest among the groups gnomAD compares: East Asian, 0.0022%; no homozygotes.

Submissions (3):

Ambry Genetics
Classification: Uncertain significance for Inborn genetic diseases. Last evaluated: 2022-03-11. Review status: criteria provided, single submitter. Criteria: Ambry Variant Classification Scheme 2023. Collection method: clinical testing. Allele origin: germline.

Labcorp Genetics (formerly Invitae), Labcorp
Classification: Uncertain significance. Last evaluated: 2022-01-01. Review status: criteria provided, single submitter. Criteria: Invitae Variant Classification Sherloc (09022015). Collection method: clinical testing. Allele origin: germline.
Comment: This sequence change replaces valine, which is neutral and non-polar, with methionine, which is neutral and non-polar, at codon 1413 of the MYO7A protein (p.Val1413Met). This variant is present in population databases (rs774086083, gnomAD 0.006%). This variant has not been reported in the literature in individuals affected with MYO7A-related conditions. ClinVar contains an entry for this variant (Variation ID: 1313627). Advanced modeling of protein sequence and biophysical properties (such as structural, functional, and spatial information, amino acid conservation, physicochemical variation, residue mobility, and thermodynamic stability) performed at Invitae indicates that this missense variant is not expected to disrupt MYO7A protein function. In summary, the available evidence is currently insufficient to determine the role of this variant in disease. Therefore, it has been classified as a Variant of Uncertain Significance.

GeneDx
Classification: Uncertain significance. Last evaluated: 2020-11-04. Review status: criteria provided, single submitter. Criteria: GeneDx Variant Classification Process June 2021. Collection method: clinical testing. Allele origin: germline. Affected: yes.
Comment: In silico analysis supports that this missense variant does not alter protein structure/function; Has not been previously published as pathogenic or benign to our knowledge

NM_000260.4(MYO7A):c.4237G>A (p.Val1413Met)

Gene: MYO7A (myosin VIIA; plus strand). Cytogenetic location: 11q13.5.
Variant type: single nucleotide variant.
Coding change: c.4237G>A on transcript NM_000260.4 (MANE Select); coding-DNA position 4237, G replaced by A.
Protein change: p.Val1413Met; replaces valine 1413 with methionine.
Molecular consequence: missense variant.
Genome position (GRCh38, 1-based): chr11:77,194,438, G>A. VCF-style: chr11-77194438-G-A. GRCh37 (hg19) VCF-style: chr11-76905483-G-A.
Other names: c.4237G>A, p.Val1413Met (NM_001127180.2); c.4204G>A, p.Val1402Met (NM_001369365.1); short protein forms V1402M, V1413M.
Identifiers: ClinVar variation 1313627 (VCV001313627.4), dbSNP rs774086083, ClinGen allele CA6198377.